The following is an entry in ClinVar:

ClinVar aggregate classification (germline): Uncertain significance. Review status: criteria provided, multiple submitters, no conflicts (2 of 4 stars). 2 submissions from 2 submitters: Uncertain significance (2). Last evaluated 2026-04-17.

Conditions:
Aortic aneurysm, familial thoracic 7 (AAT7). Also called: AORTIC DISSECTION, FAMILIAL, WITH OR WITHOUT AORTIC ANEURYSM. Identifiers: MedGen C3151077, MONDO:0013418, OMIM 613780.

Submissions (2):

GeneDx
Classification: Uncertain significance. Last evaluated: 2026-04-17. Review status: criteria provided, single submitter. Criteria: GeneDx Variant Classification Process June 2021. Collection method: clinical testing. Allele origin: germline.
Comment: Not observed at significant frequency in large population cohorts (gnomAD); In silico analysis supports a deleterious effect on protein structure/function; Has not been previously published as pathogenic or benign to our knowledge

Labcorp Genetics (formerly Invitae), Labcorp
Classification: Uncertain significance for Aortic aneurysm, familial thoracic 7. Last evaluated: 2024-07-11. Review status: criteria provided, single submitter. Criteria: Invitae Variant Classification Sherloc (09022015). Collection method: clinical testing. Allele origin: germline.
Comment: This variant, c.513_514delinsTT, is a complex sequence change that results in the deletion of 1 and insertion of 1 amino acid(s) in the MYLK protein (p.Val172Phe). Information on the frequency of this variant in the gnomAD database is not available, as this variant may be reported differently in the database. This variant has not been reported in the literature in individuals affected with MYLK-related conditions. ClinVar contains an entry for this variant (Variation ID: 1354457). Experimental studies and prediction algorithms are not available or were not evaluated, and the functional significance of this variant is currently unknown. In summary, the available evidence is currently insufficient to determine the role of this variant in disease. Therefore, it has been classified as a Variant of Uncertain Significance.

NM_053025.4(MYLK):c.513_514delinsTT (p.Val172Phe)

Gene: MYLK (myosin light chain kinase; minus strand). Cytogenetic location: 3q21.1.
Variant type: Indel.
Coding change: c.513_514delinsTT on transcript NM_053025.4 (MANE Select); coding-DNA positions 513 to 514, GG replaced by TT.
Protein change: p.Val172Phe; replaces valine 172 with phenylalanine.
Molecular consequence: missense variant. On other transcripts: 5 prime UTR variant (1).
Genome position (GRCh38, 1-based): chr3:123,738,971-123,738,972, CC replaced by AA on the plus strand (GG replaced by TT on the coding strand, the reverse complement: MYLK is on the minus strand). VCF-style: chr3-123738971-CC-AA. GRCh37 (hg19) VCF-style: chr3-123457818-CC-AA.
Other names: c.-16_-15delinsTT (NM_001321309.2); c.513_514delinsTT, p.Val172Phe (NM_053026.4, NM_053027.4, NM_053028.4); c.513_514delinsTT (NM_053025.3); short protein forms V172F.
Identifiers: ClinVar variation 1354457 (VCV001354457.7), dbSNP rs2108815942, ClinGen allele CA2573136422.